The following is an entry in ClinVar:

NM_001372051.1(CASP8):c.1336_1340del (p.Val446fs)

Gene: CASP8 (caspase 8; plus strand). Cytogenetic location: 2q33.1.
Variant type: Deletion.
Coding change: c.1336_1340del on transcript NM_001372051.1 (MANE Select); coding-DNA positions 1336 to 1340, 5 bases deleted (GTGAA; older notation c.1336_1340delGTGAA).
Protein change: p.Val446fs; shifts the reading frame from valine 446.
Molecular consequence: frameshift variant. On other transcripts: non-coding transcript variant (22).
Genome position (GRCh38, 1-based): chr2:201,286,490-201,286,494, GTGAA deleted; deleting any 5 consecutive bases within chr2:201,286,486-201,286,494 gives the same sequence; the c. name uses the placement nearest the transcript's 3' end. VCF-style (leftmost placement, unchanged base first): chr2-201286485-CTGAAG-C. GRCh37 (hg19) VCF-style: chr2-202151208-CTGAAG-C.
Other names: c.1291_1295del, p.Val431fs (NM_001080124.2, NM_001400658.1, NM_001400659.1 and 5 more transcripts); c.1513_1517del, p.Val505fs (NM_001080125.2); c.1387_1391del, p.Val463fs (NM_001228.5); c.1468_1472del, p.Val490fs (NM_001400642.1); c.1369_1373del, p.Val457fs (NM_001400645.1); c.1336_1340del, p.Val446fs (NM_001400648.1, NM_001400651.1, NM_001400653.1 and 5 more transcripts); c.1267_1271del, p.Val423fs (NM_001400664.1); c.1261_1265del, p.Val421fs (NM_001400665.1); and 7 more; short protein forms V232fs, V241fs, V247fs, V297fs, V343fs, V362fs, V377fs, V421fs.
Identifiers: ClinVar variation 3610835 (VCV003610835.1).

ClinVar aggregate classification (germline): Uncertain significance (1 of 4 stars; one submission).

Conditions:
Autoimmune lymphoproliferative syndrome type 2B. Also called: AUTOIMMUNE LYMPHOPROLIFERATIVE SYNDROME, TYPE IIB. Identifiers: Orphanet 275517, MedGen C1846545, MONDO:0011804, OMIM 607271.

Submission:

Labcorp Genetics (formerly Invitae), Labcorp
Classification: Uncertain significance for Autoimmune lymphoproliferative syndrome type 2B. Last evaluated: 2024-07-12. Review status: criteria provided, single submitter. Criteria: Invitae Variant Classification Sherloc (09022015). Collection method: clinical testing. Allele origin: germline.
Comment: This sequence change creates a premature translational stop signal (p.Val463Leufs*2) in the CASP8 gene. While this is not anticipated to result in nonsense mediated decay, it is expected to disrupt the last 34 amino acid(s) of the CASP8 protein. This variant is present in population databases (no rsID available, gnomAD 0.003%). This variant has not been reported in the literature in individuals affected with CASP8-related conditions. Algorithms developed to predict the effect of sequence changes on RNA splicing suggest that this variant may disrupt the consensus splice site. In summary, the available evidence is currently insufficient to determine the role of this variant in disease. Therefore, it has been classified as a Variant of Uncertain Significance.